The following is an entry in ClinVar:

NM_130384.3(ATRIP):c.1977G>A (p.Val659=)

Genes: ATRIP (ATR interacting protein; plus strand), ATRIP-TREX1 (ATRIP-TREX1 readthrough; plus strand). Cytogenetic location: 3p21.31.
Variant type: single nucleotide variant.
Coding change: c.1977G>A on transcript NM_130384.3 (MANE Select); coding-DNA position 1977, G replaced by A.
Protein change: p.Val659=; no amino-acid change (valine 659 retained).
Molecular consequence: synonymous variant. On other transcripts: non-coding transcript variant (1), intron variant (1).
Genome position (GRCh38, 1-based): chr3:48,464,584, G>A. VCF-style: chr3-48464584-G-A. GRCh37 (hg19) VCF-style: chr3-48505983-G-A.
Other names: c.1596G>A, p.Val532= (NM_001271022.2); c.1698G>A, p.Val566= (NM_001271023.2); c.1975-247G>A (NM_032166.4).
Identifiers: ClinVar variation 4844930 (VCV004844930.1).

ClinVar aggregate classification (germline): Uncertain significance (1 of 4 stars; one submission).

Submission:

Ambry Genetics
Classification: Uncertain significance. Last evaluated: 2026-01-26. Review status: criteria provided, single submitter. Criteria: Ambry Variant Classification Scheme 2023. Collection method: clinical testing. Allele origin: germline.
Comment: The c.1977G>A variant (also known as p.V659V), located in coding exon 11 of the ATRIP gene, results from a G to A substitution at nucleotide position 1977. This nucleotide substitution does not change the valine at codon 659. This nucleotide position is not well conserved in available vertebrate species. In silico splice site analysis predicts that this alteration may result in the creation or strengthening of a novel splice acceptor site. The evidence for this gene-disease relationship is limited; therefore, the clinical significance of this variant is unclear.